The following is an entry in ClinVar:

ClinVar aggregate classification (germline): Uncertain significance. Review status: criteria provided, multiple submitters, no conflicts (2 of 4 stars). 2 submissions from 2 submitters: Uncertain significance (2). Last evaluated 2024-11-27.

Conditions:
Inborn genetic diseases. Identifiers: MedGen C0950123, MeSH D030342.

Allele frequency attached by ClinVar (database versions not stated): TOPMed below 0.00001; ExAC 0.00001; gnomAD 0.00001.
gnomAD v4.1: 8 of 1,614,012 alleles (0.0005%); highest among the groups gnomAD compares: African/African-American, 0.0013%; no homozygotes.

Submissions (2):

Labcorp Genetics (formerly Invitae), Labcorp
Classification: Uncertain significance. Last evaluated: 2024-11-27. Review status: criteria provided, single submitter. Criteria: Invitae Variant Classification Sherloc (09022015). Collection method: clinical testing. Allele origin: germline.
Comment: This sequence change replaces alanine, which is neutral and non-polar, with valine, which is neutral and non-polar, at codon 1734 of the LTBP2 protein (p.Ala1734Val). This variant is present in population databases (rs774080243, gnomAD 0.003%). This variant has not been reported in the literature in individuals affected with LTBP2-related conditions. ClinVar contains an entry for this variant (Variation ID: 3121443). An algorithm developed to predict the effect of missense changes on protein structure and function (PolyPhen-2) suggests that this variant is likely to be disruptive. In summary, the available evidence is currently insufficient to determine the role of this variant in disease. Therefore, it has been classified as a Variant of Uncertain Significance.

Ambry Genetics
Classification: Uncertain significance for Inborn genetic diseases. Last evaluated: 2024-01-19. Review status: criteria provided, single submitter. Criteria: Ambry Variant Classification Scheme 2023. Collection method: clinical testing. Allele origin: germline.

NM_000428.3(LTBP2):c.5201C>T (p.Ala1734Val)

Gene: LTBP2 (latent transforming growth factor beta binding protein 2; minus strand). Cytogenetic location: 14q24.3.
Variant type: single nucleotide variant.
Coding change: c.5201C>T on transcript NM_000428.3 (MANE Select); coding-DNA position 5201, C replaced by T.
Protein change: p.Ala1734Val; replaces alanine 1734 with valine.
Molecular consequence: missense variant.
Genome position (GRCh38, 1-based): chr14:74,501,560, G>A on the plus strand (C>T on the coding strand, the complement: LTBP2 is on the minus strand). VCF-style: chr14-74501560-G-A. GRCh37 (hg19) VCF-style: chr14-74968263-G-A.
Other names: short protein forms A1734V.
Identifiers: ClinVar variation 3121443 (VCV003121443.3), dbSNP rs774080243, ClinGen allele CA7268480.